The following is an entry in ClinVar:

ClinVar aggregate classification (germline): Conflicting classifications of pathogenicity. Review status: criteria provided, conflicting classifications (1 of 4 stars). 6 submissions from 6 submitters: Uncertain significance (2); Likely benign (4). Last evaluated 2026-07-14.

Conditions:
Progressive familial heart block type IB (PFHB1B). Identifiers: Orphanet 871, MedGen C1970298, MONDO:0011474, OMIM 604559.
Cardiovascular phenotype. Identifiers: MedGen CN230736.

Allele frequency attached by ClinVar (database versions not stated): ESP Exome Variant Server 0.00015; gnomAD 0.00019 and 0.00021; TOPMed 0.00023; gnomAD exomes 0.00029 and 0.00046; ExAC 0.00076.

Submissions (6):

GeneDx
Classification: Uncertain significance. Last evaluated: 2026-07-14. Review status: criteria provided, single submitter. Criteria: GeneDx Variant Classification Process June 2021. Collection method: clinical testing. Allele origin: germline.
Comment: Reported in association with restrictive cardiomyopathy (RCM), atrioventricular nodal reentrant tachycardia (AVNRT), and left ventricle outflow tract abnormality (PMID: 28831623, 27662471, 32508047, 35885997); In silico analysis supports that this missense variant has a deleterious effect on protein structure/function; This variant is associated with the following publications: (PMID: 27662471, 32508047, 28831623, 35885997)

Labcorp Genetics (formerly Invitae), Labcorp
Classification: Likely benign for Progressive familial heart block type IB. Last evaluated: 2026-01-27. Review status: criteria provided, single submitter. Criteria: Invitae Variant Classification Sherloc (09022015). Collection method: clinical testing. Allele origin: germline.

CeGaT Center for Human Genetics Tuebingen
Classification: Likely benign. Last evaluated: 2025-11-01. Review status: criteria provided, single submitter. Criteria: CeGaT Center For Human Genetics Tuebingen Variant Classification Criteria Version 2. Collection method: clinical testing. Allele origin: germline. Affected: yes. Observed: 3 variant alleles.
Comment: TRPM4: BS1

Blueprint Genetics
Classification: Likely benign. Last evaluated: 2024-11-27. Review status: criteria provided, single submitter. Criteria: ACMG Guidelines, 2015. Collection method: clinical testing. Allele origin: germline.

Ambry Genetics
Classification: Likely benign for Cardiovascular phenotype. Last evaluated: 2019-03-04. Review status: criteria provided, single submitter. Criteria: Ambry Variant Classification Scheme 2023. Collection method: clinical testing. Allele origin: germline.

Illumina Laboratory Services, Illumina
Classification: Uncertain significance for Progressive familial heart block type IB. Last evaluated: 2018-01-13. Review status: criteria provided, single submitter. Criteria: ICSL Variant Classification Criteria 13 December 2019. Collection method: clinical testing. Allele origin: germline.

Literature cited by the submitters: PubMed 28831623 (cited by Ambry Genetics).

NM_017636.4(TRPM4):c.748C>T (p.Arg250Cys)

Gene: TRPM4 (transient receptor potential cation channel subfamily M member 4; plus strand). Cytogenetic location: 19q13.33.
Variant type: single nucleotide variant.
Coding change: c.748C>T on transcript NM_017636.4 (MANE Select); coding-DNA position 748, C replaced by T.
Protein change: p.Arg250Cys; replaces arginine 250 with cysteine.
Molecular consequence: missense variant. On other transcripts: 5 prime UTR variant (2).
Genome position (GRCh38, 1-based): chr19:49,168,688, C>T. VCF-style: chr19-49168688-C-T. GRCh37 (hg19) VCF-style: chr19-49671945-C-T.
Other names: c.748C>T, p.Arg250Cys (NM_001195227.2); c.403C>T, p.Arg135Cys (NM_001321281.2); c.-806C>T (NM_001321282.2); c.226C>T, p.Arg76Cys (NM_001321283.2); c.-102C>T (NM_001321285.2); short protein forms R250C, R135C, R76C.
Identifiers: ClinVar variation 329849 (VCV000329849.58), dbSNP rs144208673, ClinGen allele CA9568930.